The following is an entry in ClinVar:

ClinVar aggregate classification (germline): Likely pathogenic (1 of 4 stars; one submission).

Conditions:
Charcot-Marie-Tooth disease type 2A2. Also called: CHARCOT-MARIE-TOOTH DISEASE, AXONAL, TYPE 2A2; CHARCOT-MARIE-TOOTH DISEASE, NEURONAL, TYPE 2A2; HEREDITARY MOTOR AND SENSORY NEUROPATHY IIA2; HMSN IIA2; Charcot-Marie-Tooth Neuropathy Type 2A2; CHARCOT-MARIE-TOOTH DISEASE, AXONAL, AUTOSOMAL DOMINANT, TYPE 2A2A. Identifiers: Orphanet 99947, MedGen C4721887, MONDO:0012231, OMIM 609260.

Submission:

Genetics Research Center, University of Social Welfare and Rehabilitation Sciences
Classification: Likely pathogenic for Charcot-Marie-Tooth disease type 2A2. Review status: criteria provided, single submitter. Criteria: ACMG Guidelines, 2015. Collection method: clinical testing. Allele origin: germline. Inheritance: Autosomal dominant inheritance. Affected: yes.
Comment: variant causes a missense change involving the alteration of a conserved nucleotide (Phylop100 = 7.55). The variant was absent in control chromosomes in GnomAD project. In-silico tool predicts a pathogenic outcome for this variant (REVEL = 0.92). The variant co-segregated with the disease status within the family. Overall, the variant meets PM1, PM2, PP1, PP2,, and PP3 ACMG criteria.

Literature cited by the submitters: PubMed 42236346.

NM_014874.4(MFN2):c.389C>A (p.Thr130Asn)

Gene: MFN2 (mitofusin 2; plus strand). Cytogenetic location: 1p36.22.
Variant type: single nucleotide variant.
Coding change: c.389C>A on transcript NM_014874.4 (MANE Select); coding-DNA position 389, C replaced by A.
Protein change: p.Thr130Asn; replaces threonine 130 with asparagine.
Molecular consequence: missense variant.
Genome position (GRCh38, 1-based): chr1:11,996,233, C>A. VCF-style: chr1-11996233-C-A. GRCh37 (hg19) VCF-style: chr1-12056290-C-A.
Other names: c.389C>A, p.Thr130Asn (NM_001127660.2); short protein forms T130N.
Identifiers: ClinVar variation 4857034 (VCV004857034.1).
Genomic context (GRCh38, chr1:11,996,233, plus strand): 5'-GCACCGTGATCAATGCCATGCTCTGGGACAAAGTTCTGCCCTCTGGGATTGGCCACACCA[C>A]CAATTGCTTCCTGCGGGTAGAGGGCACAGATGGCCATGAGGCCTTTCTCCTTACCGAGGG-3'
Protein context (NP_055689.1, residues 120-140): KVLPSGIGHT[Thr130Asn]NCFLRVEGTD